The following is an entry in ClinVar:

NM_032119.4(ADGRV1):c.11434A>G (p.Ile3812Val)

Gene: ADGRV1 (adhesion G protein-coupled receptor V1; plus strand). Cytogenetic location: 5q14.3.
Variant type: single nucleotide variant.
Coding change: c.11434A>G on transcript NM_032119.4 (MANE Select); coding-DNA position 11434, A replaced by G.
Protein change: p.Ile3812Val; replaces isoleucine 3812 with valine.
Molecular consequence: missense variant. On other transcripts: non-coding transcript variant (1).
Genome position (GRCh38, 1-based): chr5:90,755,039, A>G. VCF-style: chr5-90755039-A-G. GRCh37 (hg19) VCF-style: chr5-90050856-A-G.
Other names: c.11434A>G (NM_032119.3); short protein forms I3812V.
Identifiers: ClinVar variation 1358770 (VCV001358770.4), dbSNP rs2149973355, ClinGen allele CA360366493.

ClinVar aggregate classification (germline): Uncertain significance. Review status: criteria provided, multiple submitters, no conflicts (2 of 4 stars). 2 submissions from 2 submitters: Uncertain significance (2). Last evaluated 2024-02-09.

Submissions (2):

GeneDx
Classification: Uncertain significance. Last evaluated: 2024-02-09. Review status: criteria provided, single submitter. Criteria: GeneDx Variant Classification Process June 2021. Collection method: clinical testing. Allele origin: germline. Affected: yes.
Comment: Not observed at significant frequency in large population cohorts (gnomAD); In silico analysis supports that this missense variant does not alter protein structure/function; Has not been previously published as pathogenic or benign to our knowledge

Labcorp Genetics (formerly Invitae), Labcorp
Classification: Uncertain significance. Last evaluated: 2022-06-05. Review status: criteria provided, single submitter. Criteria: Invitae Variant Classification Sherloc (09022015). Collection method: clinical testing. Allele origin: germline.
Comment: This sequence change replaces isoleucine, which is neutral and non-polar, with valine, which is neutral and non-polar, at codon 3812 of the ADGRV1 protein (p.Ile3812Val). This variant is not present in population databases (gnomAD no frequency). This variant has not been reported in the literature in individuals affected with ADGRV1-related conditions. ClinVar contains an entry for this variant (Variation ID: 1358770). Algorithms developed to predict the effect of missense changes on protein structure and function output the following: SIFT: "Tolerated"; PolyPhen-2: "Benign"; Align-GVGD: "Class C0". The valine amino acid residue is found in multiple mammalian species, which suggests that this missense change does not adversely affect protein function. In summary, the available evidence is currently insufficient to determine the role of this variant in disease. Therefore, it has been classified as a Variant of Uncertain Significance.